The following is an entry in ClinVar:

ClinVar aggregate classification (germline): Uncertain significance (1 of 4 stars; one submission).

Conditions:
Glycogen storage disease IXd (GSD9D). Also called: GSD IXd; Muscle Phosphorylase Kinase Deficiency. Identifiers: Orphanet 715, MedGen C1845151, MONDO:0010362, OMIM 300559.

gnomAD v4.1: 7 of 1,208,985 alleles (0.00058%); highest among the groups gnomAD compares: Middle Eastern, 0.069%; no homozygotes.

Submission:

Dubai Health Genomic Medicine Center, Dubai Health
Classification: Uncertain significance for Glycogen storage disease IXd. Last evaluated: 2020-09-28. Review status: criteria provided, single submitter. Criteria: ACMG Guidelines, 2015. Collection method: clinical testing. Allele origin: germline. Affected: yes.
Comment: The p.Arg428Cys missense variant in PHKA1 has not been previously reported in affected individuals and was absent from large population studies such as the Genome Aggregation Database (gnomAD) and the Greater Middle East (GME) variome database. Computational prediction tools and computational analysis suggest a possible impact to protein function though this information is not predictive enough to confirm pathogenicity. In summary more information is needed to fully assess the clinical significance of this variant.

NM_002637.4(PHKA1):c.1282C>T (p.Arg428Cys)

Gene: PHKA1 (phosphorylase kinase regulatory subunit alpha 1; minus strand). Cytogenetic location: Xq13.1.
Variant type: single nucleotide variant.
Coding change: c.1282C>T on transcript NM_002637.4 (MANE Select); coding-DNA position 1282, C replaced by T.
Protein change: p.Arg428Cys; replaces arginine 428 with cysteine.
Molecular consequence: missense variant.
Genome position (GRCh38, 1-based): chrX:72,650,432, G>A on the plus strand (C>T on the coding strand, the complement: PHKA1 is on the minus strand). VCF-style: chrX-72650432-G-A. GRCh37 (hg19) VCF-style: chrX-71870282-G-A.
Other names: c.1282C>T, p.Arg428Cys (NM_001122670.2, NM_001172436.2); short protein forms R428C.
Identifiers: ClinVar variation 1301640 (VCV001301640.2), dbSNP rs2147757116, ClinGen allele CA413592901.